The following is an entry in ClinVar:

ClinVar aggregate classification (germline): Uncertain significance (1 of 4 stars; one submission).

Conditions:
Hereditary cancer-predisposing syndrome. Also called: Tumor predisposition; Hereditary Cancer Syndrome; Hereditary neoplastic syndrome; Neoplastic Syndromes, Hereditary. Identifiers: Orphanet 140162, MedGen C0027672, MeSH D009386, MONDO:0015356.

Submission:

Ambry Genetics
Classification: Uncertain significance for Hereditary cancer-predisposing syndrome. Last evaluated: 2024-04-25. Review status: criteria provided, single submitter. Criteria: Ambry Variant Classification Scheme 2023. Collection method: clinical testing. Allele origin: germline.
Comment: The p.T1168S variant (also known as c.3502A>T), located in coding exon 6 of the MSH6 gene, results from an A to T substitution at nucleotide position 3502. The threonine at codon 1168 is replaced by serine, an amino acid with similar properties. This amino acid position is conserved. In addition, the in silico prediction for this alteration is inconclusive. Based on the available evidence, the clinical significance of this variant remains unclear.

NM_000179.3(MSH6):c.3502A>T (p.Thr1168Ser)

Gene: MSH6 (mutS homolog 6; plus strand). Cytogenetic location: 2p16.3.
Variant type: single nucleotide variant.
Coding change: c.3502A>T on transcript NM_000179.3 (MANE Select); coding-DNA position 3502, A replaced by T.
Protein change: p.Thr1168Ser; replaces threonine 1168 with serine.
Molecular consequence: missense variant. On other transcripts: non-coding transcript variant (4).
Genome position (GRCh38, 1-based): chr2:47,804,973, A>T. VCF-style: chr2-47804973-A-T. GRCh37 (hg19) VCF-style: chr2-48032112-A-T.
Other names: c.3502A>T, p.Thr1168Ser (NM_001406808.1, NM_001406809.1, NM_001406796.1 and 1 more transcripts); c.2596A>T, p.Thr866Ser (NM_001406811.1, NM_001406812.1, NM_001406814.1 and 6 more transcripts); c.3508A>T, p.Thr1170Ser (NM_001406813.1); c.3205A>T, p.Thr1069Ser (NM_001406818.1, NM_001406819.1, NM_001406822.1 and 10 more transcripts); c.1936A>T, p.Thr646Ser (NM_001406817.1); c.3112A>T, p.Thr1038Ser (NM_001281492.2); c.3598A>T, p.Thr1200Ser (NM_001406795.1, NM_001406802.1); c.3328A>T, p.Thr1110Ser (NM_001406798.1); and 7 more; short protein forms T1069S, T1112S, T880S, T1038S, T1170S, T1200S, T1168S, T646S.
Identifiers: ClinVar variation 3296388 (VCV003296388.1).